The following is an entry in ClinVar:

ClinVar aggregate classification (germline): Uncertain significance (1 of 4 stars; one submission).

Conditions:
Hereditary cancer-predisposing syndrome. Also called: Hereditary Cancer Syndrome; Hereditary neoplastic syndrome; Tumor predisposition; Neoplastic Syndromes, Hereditary. Identifiers: Orphanet 140162, MedGen C0027672, MeSH D009386, MONDO:0015356.

gnomAD v4.1: 3 of 1,614,138 alleles (0.00019%); highest among the groups gnomAD compares: Non-Finnish European, 0.00025%; no homozygotes.

Submission:

Ambry Genetics
Classification: Uncertain significance for Hereditary cancer-predisposing syndrome. Last evaluated: 2024-09-15. Review status: criteria provided, single submitter. Criteria: Ambry Variant Classification Scheme 2023. Collection method: clinical testing. Allele origin: germline.
Comment: The p.P499T variant (also known as c.1495C>A), located in coding exon 7 of the ALK gene, results from a C to A substitution at nucleotide position 1495. The proline at codon 499 is replaced by threonine, an amino acid with highly similar properties. This amino acid position is conserved. In addition, this alteration is predicted to be tolerated by in silico analysis. Based on the available evidence, the clinical significance of this variant remains unclear.

NM_004304.5(ALK):c.1495C>A (p.Pro499Thr)

Gene: ALK (ALK receptor tyrosine kinase; minus strand). Cytogenetic location: 2p23.2.
Variant type: single nucleotide variant.
Coding change: c.1495C>A on transcript NM_004304.5 (MANE Select); coding-DNA position 1495, C replaced by A.
Protein change: p.Pro499Thr; replaces proline 499 with threonine.
Molecular consequence: missense variant.
Genome position (GRCh38, 1-based): chr2:29,320,802, G>T on the plus strand (C>A on the coding strand, the complement: ALK is on the minus strand). VCF-style: chr2-29320802-G-T. GRCh37 (hg19) VCF-style: chr2-29543668-G-T.
Other names: short protein forms P499T.
Identifiers: ClinVar variation 3524644 (VCV003524644.1).